The following is an entry in ClinVar:

NM_000059.4(BRCA2):c.8401_8403delinsAAAA

Gene: BRCA2 (BRCA2 DNA repair associated; plus strand). Cytogenetic location: 13q13.1.
Variant type: Indel.
Coding change: c.8401_8403delinsAAAA on transcript NM_000059.4 (MANE Select); coding-DNA positions 8401 to 8403, TTT replaced by AAAA.
Genome position (GRCh38, 1-based): chr13:32,370,471-32,370,473, TTT replaced by AAAA. VCF-style: chr13-32370471-TTT-AAAA. GRCh37 (hg19) VCF-style: chr13-32944608-TTT-AAAA.
Other names: 8628del3ins4; c.8401_8403delinsAAAA, p.Phe2801fs (LRG_293t1).
Identifiers: ClinVar variation 267083 (VCV000267083.7), dbSNP rs886040772, ClinGen allele CA10589495.

ClinVar aggregate classification (germline): Pathogenic. Review status: reviewed by expert panel (3 of 4 stars). 3 submissions from 3 submitters: Pathogenic (1). 2 of the submissions do not count toward it. Last evaluated 2016-10-18.

Conditions:
Breast-ovarian cancer, familial, susceptibility to, 2 (BROVCA2). Also called: BRCA2 Hereditary Breast and Ovarian Cancer. Identifiers: Orphanet 145, MedGen C2675520, MONDO:0012933, OMIM 612555. Disease mechanism: loss of function.

Submissions (3):

Evidence-based Network for the Interpretation of Germline Mutant Alleles (ENIGMA)
Classification: Pathogenic for Breast-ovarian cancer, familial, susceptibility to, 2. Last evaluated: 2016-10-18. Review status: reviewed by expert panel. Criteria: ENIGMA BRCA1/2 Classification Criteria (2015). Collection method: curation. Allele origin: germline.
Comment: Variant allele predicted to encode a truncated non-functional protein.

Consortium of Investigators of Modifiers of BRCA1/2 (CIMBA), c/o University of Cambridge
Classification: Pathogenic for Breast-ovarian cancer, familial, susceptibility to, 2. Last evaluated: 2015-10-02. Review status: criteria provided, single submitter. Criteria: CIMBA Mutation Classification guidelines May 2016. Collection method: clinical testing. Allele origin: germline. Not counted in ClinVar's aggregate classification.

Juno Genomics, Hangzhou Juno Genomics, Inc
Classification: Pathogenic for Breast-ovarian cancer, familial, susceptibility to, 2. Review status: criteria provided, single submitter. Criteria: ACMG Guidelines, 2015. Collection method: clinical testing. Allele origin: germline. Not counted in ClinVar's aggregate classification.
Comment: Absent from controls (or at extremely low frequency if recessive) in Genome Aggregation Database.;Null variant in a gene where loss of function (LOF) is a known mechanism of disease.;Novel missense change at an amino acid residue where a different missense change determined to be pathogenic has been seen before.